The following is an entry in ClinVar:

ClinVar aggregate classification (germline): Conflicting classifications of pathogenicity. Review status: criteria provided, conflicting classifications (1 of 4 stars). 2 submissions from 2 submitters: Likely pathogenic (1); Uncertain significance (1). Last evaluated 2025-09-07.

Conditions:
CACNA2D4-related disorder. Also called: CACNA2D4-related condition.

Submissions (2):

Labcorp Genetics (formerly Invitae), Labcorp
Classification: Uncertain significance. Last evaluated: 2025-09-07. Review status: criteria provided, single submitter. Criteria: Invitae Variant Classification Sherloc (09022015). Collection method: clinical testing. Allele origin: germline.
Comment: This sequence change creates a premature translational stop signal (p.Glu593Lysfs*11) in the CACNA2D4 gene. It is expected to result in an absent or disrupted protein product. However, the current clinical and genetic evidence is not sufficient to establish whether loss-of-function variants in CACNA2D4 cause disease. This variant is present in population databases (rs757752425, gnomAD 0.004%). This variant has not been reported in the literature in individuals affected with CACNA2D4-related conditions. ClinVar contains an entry for this variant (Variation ID: 856540). Algorithms developed to predict the effect of sequence changes on RNA splicing suggest that this variant may disrupt the consensus splice site. In summary, the available evidence is currently insufficient to determine the role of this variant in disease. Therefore, it has been classified as a Variant of Uncertain Significance.

Blueprint Genetics
Classification: Likely pathogenic for CACNA2D4-related disorders. Last evaluated: 2021-05-07. Review status: criteria provided, single submitter. Criteria: ACMG Guidelines, 2015. Collection method: clinical testing. Allele origin: germline. Affected: yes. Observed: 3 variant alleles.

NM_172364.5(CACNA2D4):c.1776del (p.Glu593fs)

Gene: CACNA2D4 (calcium voltage-gated channel auxiliary subunit alpha2delta 4; minus strand). Cytogenetic location: 12p13.33.
Variant type: Deletion.
Coding change: c.1776del on transcript NM_172364.5 (MANE Select); coding-DNA position 1776, one base deleted (C; older notation c.1776delC).
Protein change: p.Glu593fs; shifts the reading frame from glutamic acid 593.
Molecular consequence: frameshift variant.
Genome position (GRCh38, 1-based): chr12:1,875,281, G deleted on the plus strand (C on the coding strand, the reverse complement: CACNA2D4 is on the minus strand); the first of 2 consecutive G bases (chr12:1,875,281-1,875,282); deleting either gives the same sequence. VCF-style (leftmost placement, unchanged base first): chr12-1875280-CG-C. GRCh37 (hg19) VCF-style: chr12-1984446-CG-C.
Other names: short protein forms E593fs.
Identifiers: ClinVar variation 856540 (VCV000856540.6), dbSNP rs757752425, ClinGen allele CA6386996.
Genomic context (GRCh38, chr12:1,875,280, plus strand): 5'-AGCTTCCCTTCCCCCTATTTTCCCCACTCACAGATTCAGCCTGGTCTTCCCACTCCACTT[CG>C]GAGAGATCCACACTGTTGTAGTTAGGTTTGGGTTTTAGTTTCTTCCCCTCTCTGTACTGG-3'